The following is an entry in ClinVar:

NM_000080.4(CHRNE):c.742A>C (p.Ile248Leu)

Genes: C17orf107 (chromosome 17 open reading frame 107; plus strand), CHRNE (cholinergic receptor nicotinic epsilon subunit; minus strand). Cytogenetic location: 17p13.2.
Variant type: single nucleotide variant.
Coding change: c.742A>C on transcript NM_000080.4 (MANE Select); coding-DNA position 742, A replaced by C.
Protein change: p.Ile248Leu; replaces isoleucine 248 with leucine.
Molecular consequence: missense variant. On other transcripts: 3 prime UTR variant (1).
Genome position (GRCh38, 1-based): chr17:4,901,050, T>G on the plus strand (A>C on the coding strand, the complement: CHRNE is on the minus strand). VCF-style: chr17-4901050-T-G. GRCh37 (hg19) VCF-style: chr17-4804345-T-G.
Other names: c.*517T>G (NM_001145536.2); short protein forms I248L.
Identifiers: ClinVar variation 2832552 (VCV002832552.3), dbSNP rs2507554395, ClinGen allele CA397304891.
Genomic context (GRCh38, chr17:4,901,050, plus strand): 5'-CCTGCGCCGGCAGGAAGTAGGCGAGCAGCACCAGGCCCGAGATGAGCACACAGGGCACGA[T>G]GATGTTAATGACGTAGAAGAGCGGCTTCCGGCGGATGATGAGCGAGTAGATGACGTCAGT-3'
Protein context (NP_000071.1, residues 238-258): RKPLFYVINI[Ile248Leu]VPCVLISGLV

ClinVar aggregate classification (germline): Uncertain significance (1 of 4 stars; one submission).

Conditions:
Congenital myasthenic syndrome 4A. Also called: CONGENITAL MYASTHENIC SYNDROME TYPE Ia1; Myasthenic syndrome, congenital, 4a, slow-channel; MYASTHENIC SYNDROME, CONGENITAL, 4A, SLOW-CHANNEL, AUTOSOMAL RECESSIVE. Identifiers: Orphanet 590, MedGen C4225413, MONDO:0011600, OMIM 605809.

Submission:

Labcorp Genetics (formerly Invitae), Labcorp
Classification: Uncertain significance for Congenital myasthenic syndrome 4A. Last evaluated: 2024-04-25. Review status: criteria provided, single submitter. Criteria: Invitae Variant Classification Sherloc (09022015). Collection method: clinical testing. Allele origin: germline.
Comment: This sequence change replaces isoleucine, which is neutral and non-polar, with leucine, which is neutral and non-polar, at codon 248 of the CHRNE protein (p.Ile248Leu). This variant is not present in population databases (gnomAD no frequency). This variant has not been reported in the literature in individuals affected with CHRNE-related conditions. Advanced modeling of protein sequence and biophysical properties (such as structural, functional, and spatial information, amino acid conservation, physicochemical variation, residue mobility, and thermodynamic stability) performed at Invitae indicates that this missense variant is not expected to disrupt CHRNE protein function with a negative predictive value of 80%. In summary, the available evidence is currently insufficient to determine the role of this variant in disease. Therefore, it has been classified as a Variant of Uncertain Significance.